The following is an entry in ClinVar:

NM_004859.4(CLTC):c.757C>T (p.Pro253Ser)

Gene: CLTC (clathrin heavy chain; plus strand). Cytogenetic location: 17q23.1.
Variant type: single nucleotide variant.
Coding change: c.757C>T on transcript NM_004859.4 (MANE Select); coding-DNA position 757, C replaced by T.
Protein change: p.Pro253Ser; replaces proline 253 with serine.
Molecular consequence: missense variant.
Genome position (GRCh38, 1-based): chr17:59,651,278, C>T. VCF-style: chr17-59651278-C-T. GRCh37 (hg19) VCF-style: chr17-57728639-C-T.
Other names: c.769C>T, p.Pro257Ser (NM_001288653.2); short protein forms P253S, P257S.
Identifiers: ClinVar variation 2009345 (VCV002009345.4), dbSNP rs2509365339, ClinGen allele CA400422302.
Genomic context (GRCh38, chr17:59,651,278, plus strand): 5'-GTTGGCACACCACCTACAGGGAACCAGCCCTTTCCAAAGAAGGCAGTGGATGTCTTCTTT[C>T]CTCCAGAAGCACAAAATGATTTTCCTGTTGCAATGCAGGTATTTTAAGCAAAATAAATGA-3'
Protein context (NP_004850.1, residues 243-263): FPKKAVDVFF[Pro253Ser]PEAQNDFPVA

ClinVar aggregate classification (germline): Uncertain significance (1 of 4 stars; one submission).

Submission:

Labcorp Genetics (formerly Invitae), Labcorp
Classification: Uncertain significance. Last evaluated: 2022-07-16. Review status: criteria provided, single submitter. Criteria: Invitae Variant Classification Sherloc (09022015). Collection method: clinical testing. Allele origin: germline.
Comment: This sequence change replaces proline, which is neutral and non-polar, with serine, which is neutral and polar, at codon 257 of the CLTC protein (p.Pro257Ser). This variant is not present in population databases (gnomAD no frequency). This variant has not been reported in the literature in individuals affected with CLTC-related conditions. Algorithms developed to predict the effect of missense changes on protein structure and function are either unavailable or do not agree on the potential impact of this missense change (SIFT: "Tolerated"; PolyPhen-2: "Not Available"; Align-GVGD: "Class C0"). In summary, the available evidence is currently insufficient to determine the role of this variant in disease. Therefore, it has been classified as a Variant of Uncertain Significance.